The following is an entry in ClinVar:

NM_004385.5(VCAN):c.9218T>C (p.Ile3073Thr)

Genes: VCAN (versican; plus strand), VCAN-AS1 (VCAN antisense RNA 1; minus strand). Cytogenetic location: 5q14.3.
Variant type: single nucleotide variant.
Coding change: c.9218T>C on transcript NM_004385.5 (MANE Select); coding-DNA position 9218, T replaced by C.
Protein change: p.Ile3073Thr; replaces isoleucine 3073 with threonine.
Molecular consequence: missense variant. On other transcripts: intron variant (2).
Genome position (GRCh38, 1-based): chr5:83,542,221, T>C. VCF-style: chr5-83542221-T-C. GRCh37 (hg19) VCF-style: chr5-82838040-T-C.
Other names: c.6257T>C, p.Ile2086Thr (NM_001164097.2); c.4004-3316T>C (NM_001164098.2); c.1043-3316T>C (NM_001126336.3); short protein forms I3073T, I2086T.
Identifiers: ClinVar variation 905109 (VCV000905109.14), dbSNP rs200780028, ClinGen allele CA121777128.

ClinVar aggregate classification (germline): Uncertain significance. Review status: criteria provided, multiple submitters, no conflicts (2 of 4 stars). 6 submissions from 5 submitters: Uncertain significance (6). Last evaluated 2025-06-29.

Conditions:
Inborn genetic diseases. Identifiers: MedGen C0950123, MeSH D030342.
Wagner disease. Also called: WAGNER VITREORETINAL DEGENERATION; Wagner Vitreoretinal Degeneration (Wagner Synrdome); Wagner syndrome; HYALOIDEORETINAL DEGENERATION OF WAGNER; WAGNER VITREORETINOPATHY; WAGNER SYNDROME 1. Identifiers: Orphanet 898, MedGen C1840452, MONDO:0007740, OMIM 143200.
Vitreoretinopathy. Also called: Vitreoretinal degeneration. Identifiers: MedGen C0344290, MONDO:0020248, HP:0007773.

Allele frequency attached by ClinVar (database versions not stated): gnomAD exomes 0.00002.
gnomAD v4.1: 34 of 1,614,024 alleles (0.0021%); highest among the groups gnomAD compares: Non-Finnish European, 0.0028%; no homozygotes.

Submissions (6):

Ambry Genetics
Classification: Uncertain significance for Inborn genetic diseases. Last evaluated: 2025-06-29. Review status: criteria provided, single submitter. Criteria: Ambry Variant Classification Scheme 2023. Collection method: clinical testing. Allele origin: germline.

Blueprint Genetics
Classification: Uncertain significance. Last evaluated: 2022-10-20. Review status: criteria provided, single submitter. Criteria: ACMG Guidelines, 2015. Collection method: clinical testing. Allele origin: germline.

Labcorp Genetics (formerly Invitae), Labcorp
Classification: Uncertain significance. Last evaluated: 2020-11-10. Review status: criteria provided, single submitter. Criteria: Invitae Variant Classification Sherloc (09022015). Collection method: clinical testing. Allele origin: germline.
Comment: In summary, the available evidence is currently insufficient to determine the role of this variant in disease. Therefore, it has been classified as a Variant of Uncertain Significance. Algorithms developed to predict the effect of missense changes on protein structure and function (SIFT, PolyPhen-2, Align-GVGD) all suggest that this variant is likely to be disruptive, but these predictions have not been confirmed by published functional studies and their clinical significance is uncertain. This variant has not been reported in the literature in individuals with VCAN-related conditions. ClinVar contains an entry for this variant (Variation ID: 905109). This variant is not present in population databases (ExAC no frequency). This sequence change replaces isoleucine with threonine at codon 3073 of the VCAN protein (p.Ile3073Thr). The isoleucine residue is highly conserved and there is a moderate physicochemical difference between isoleucine and threonine.

GeneDx
Classification: Uncertain significance. Last evaluated: 2019-11-02. Review status: criteria provided, single submitter. Criteria: GeneDx Variant Classification Process June 2021. Collection method: clinical testing. Allele origin: germline. Affected: yes.
Comment: Not observed in large population cohorts (Lek et al., 2016); In silico analysis, which includes protein predictors and evolutionary conservation, supports that this variant does not alter protein structure/function; Has not been previously published as pathogenic or benign to our knowledge

Illumina Laboratory Services, Illumina
Classification: Uncertain significance for Vitreoretinopathy. Last evaluated: 2018-01-13. Review status: criteria provided, single submitter. Criteria: ICSL Variant Classification Criteria 13 December 2019. Collection method: clinical testing. Allele origin: germline.

Illumina Laboratory Services, Illumina
Classification: Uncertain significance for Wagner disease. Last evaluated: 2018-01-13. Review status: criteria provided, single submitter. Criteria: ICSL Variant Classification Criteria 13 December 2019. Collection method: clinical testing. Allele origin: germline.